The following is an entry in ClinVar:

NM_001136213.1(POTEH):c.1539T>A (p.Thr513=)

Gene: POTEH (POTE ankyrin domain family member H; plus strand). Cytogenetic location: 22q11.1.
Variant type: single nucleotide variant.
Coding change: c.1539T>A on transcript NM_001136213.1 (MANE Select); coding-DNA position 1539, T replaced by A.
Protein change: p.Thr513=; no amino-acid change (threonine 513 retained).
Molecular consequence: synonymous variant.
Genome position (GRCh38, 1-based): chr22:15,719,678, T>A. VCF-style: chr22-15719678-T-A. GRCh37 (hg19) VCF-style: chr22-16258285-A-T.
Identifiers: ClinVar variation 2652836 (VCV002652836.24), dbSNP rs199586979, ClinGen allele CA10084049.

ClinVar aggregate classification (germline): Likely benign (1 of 4 stars; one submission).

Allele frequency attached by ClinVar (database versions not stated): gnomAD exomes 0.00088; ExAC 0.00997.

Submission:

CeGaT Center for Human Genetics Tuebingen
Classification: Likely benign. Last evaluated: 2022-07-01. Review status: criteria provided, single submitter. Criteria: CeGaT Center For Human Genetics Tuebingen Variant Classification Criteria Version 2. Collection method: clinical testing. Allele origin: germline. Affected: yes. Observed: 1 variant allele.
Comment: POTEH: BP4, BP7